The following is an entry in ClinVar:

NM_004612.4(TGFBR1):c.1240C>T (p.Arg414Ter)

Gene: TGFBR1 (transforming growth factor beta receptor 1; plus strand). Cytogenetic location: 9q22.33.
Variant type: single nucleotide variant.
Coding change: c.1240C>T on transcript NM_004612.4 (MANE Select); coding-DNA position 1240, C replaced by T.
Protein change: p.Arg414Ter; replaces arginine 414 with a stop codon.
Molecular consequence: nonsense.
Genome position (GRCh38, 1-based): chr9:99,146,594, C>T. VCF-style: chr9-99146594-C-T. GRCh37 (hg19) VCF-style: chr9-101908876-C-T.
Other names: c.1009C>T, p.Arg337Ter (NM_001130916.3); c.1252C>T, p.Arg418Ter (NM_001306210.2); short protein forms R414*, R418*, R337*.
Identifiers: ClinVar variation 29918 (VCV000029918.7), dbSNP rs387906697, ClinGen allele CA008738.
Genomic context (GRCh38, chr9:99,146,594, plus strand): 5'-GAATCCTTCAAACGTGCTGACATCTATGCAATGGGCTTAGTATTCTGGGAAATTGCTCGA[C>T]GATGTTCCATTGGTGGTAAATTGCTCTCCTCTCCCCCAGTAGTTTGTCATGAGCAGAAGT-3'

ClinVar aggregate classification (germline): Pathogenic. Review status: criteria provided, single submitter (1 of 4 stars). 2 submissions from 2 submitters: Pathogenic (1). 1 of the submissions does not count toward it. Last evaluated 2023-10-22.

Conditions:
Familial thoracic aortic aneurysm and aortic dissection (TAAD). Also called: Thoracic aortic aneurysms and dissections. Identifiers: Orphanet 91387, MedGen C4707243, MONDO:0019625.
Multiple self-healing squamous epithelioma (MSSE). Also called: MULTIPLE SELF-HEALING SQUAMOUS EPITHELIOMA, SUSCEPTIBILITY TO. Identifiers: Orphanet 65748, MedGen C0546476, MONDO:0007566, OMIM 132800.

Allele frequency attached by ClinVar (database versions not stated): gnomAD exomes below 0.00001; TOPMed below 0.00001.
gnomAD v4.1: 2 of 1,613,852 alleles (0.00012%); highest among the groups gnomAD compares: Non-Finnish European, 0.00017%; no homozygotes.

Submissions (2):

Labcorp Genetics (formerly Invitae), Labcorp
Classification: Pathogenic for Familial thoracic aortic aneurysm and aortic dissection. Last evaluated: 2023-10-22. Review status: criteria provided, single submitter. Criteria: Invitae Variant Classification Sherloc (09022015). Collection method: clinical testing. Allele origin: germline.
Comment: This sequence change creates a premature translational stop signal (p.Arg414*) in the TGFBR1 gene. It is expected to result in an absent or disrupted protein product. Loss-of-function variants in TGFBR1 are known to be pathogenic (PMID: 21358634). This variant is not present in population databases (gnomAD no frequency). This premature translational stop signal has been observed in individual(s) with multiple self-healing squamous epithelioma (PMID: 21358634). ClinVar contains an entry for this variant (Variation ID: 29918). Algorithms developed to predict the effect of sequence changes on RNA splicing suggest that this variant may disrupt the consensus splice site. For these reasons, this variant has been classified as Pathogenic.

OMIM
Classification: risk factor for MULTIPLE SELF-HEALING SQUAMOUS EPITHELIOMA, SUSCEPTIBILITY TO. Last evaluated: 2011-02-27. Review status: no assertion criteria provided. Collection method: literature only. Allele origin: germline. Not counted in ClinVar's aggregate classification.

Literature cited by the submitters: PubMed 21358634 (cited by Labcorp Genetics (formerly Invitae), Labcorp and OMIM).